The following is an entry in ClinVar:

ClinVar aggregate classification (germline): Uncertain significance (1 of 4 stars; one submission).

Conditions:
Immunodeficiency, common variable, 4. Also called: ANTIBODY DEFICIENCY DUE TO BAFFR DEFECT. Identifiers: Orphanet 1572, Orphanet 696925, MedGen C3150739, MONDO:0013284, OMIM 613494.

Submission:

Labcorp Genetics (formerly Invitae), Labcorp
Classification: Uncertain significance for Immunodeficiency, common variable, 4. Last evaluated: 2025-08-08. Review status: criteria provided, single submitter. Criteria: Invitae Variant Classification Sherloc (09022015). Collection method: clinical testing. Allele origin: germline.
Comment: This variant, c.275_286del, results in the deletion of 4 amino acid(s) of the TNFRSF13C protein (p.Ala92_Leu95del), but otherwise preserves the integrity of the reading frame. This variant is present in population databases (rs770676417, gnomAD 0.002%). This variant has not been reported in the literature in individuals affected with TNFRSF13C-related conditions. ClinVar contains an entry for this variant (Variation ID: 1036144). In summary, the available evidence is currently insufficient to determine the role of this variant in disease. Therefore, it has been classified as a Variant of Uncertain Significance.

NM_052945.4(TNFRSF13C):c.275_286del (p.88ALVL[1])

Genes: TNFRSF13C (TNF receptor superfamily member 13C; minus strand), LOC130067574 (ATAC-STARR-seq lymphoblastoid silent region 13813; plus strand). Cytogenetic location: 22q13.2.
Variant type: Deletion.
Coding change: c.275_286del on transcript NM_052945.4 (MANE Select); coding-DNA positions 275 to 286, 12 bases deleted (CGCTGGTCCTGG).
Protein change: p.88ALVL[1].
Molecular consequence: inframe deletion.
Genome position (GRCh38, 1-based): chr22:41,926,182-41,926,193, CCAGGACCAGCG deleted on the plus strand (CGCTGGTCCTGG on the coding strand, the reverse complement: TNFRSF13C is on the minus strand); deleting any 12 consecutive bases within chr22:41,926,182-41,926,203 gives the same sequence; the c. name uses the placement nearest the transcript's 3' end. VCF-style (leftmost placement, unchanged base first): chr22-41926181-ACCAGGACCAGCG-A. GRCh37 (hg19) VCF-style: chr22-42322185-ACCAGGACCAGCG-A.
Identifiers: ClinVar variation 1036144 (VCV001036144.7), dbSNP rs770676417, ClinGen allele CA10262490.
Genomic context (GRCh38, chr22:41,926,181, plus strand): 5'-GCCTCTGCGGAGGACGCGCCGCGAAGCCGCCGCTGTCGCCGCCTCCAGCTCACCAGACCC[ACCAGGACCAGCG>A]CCAGGACCAGTGCCAGGCCCAGCAGCGCGGGGGCGCCAAAGAGCAGCCCGGGCAGGGGCA-3'